The following is an entry in ClinVar:

ClinVar aggregate classification (germline): Uncertain significance (1 of 4 stars; one submission).

Submission:

Labcorp Genetics (formerly Invitae), Labcorp
Classification: Uncertain significance. Last evaluated: 2021-04-04. Review status: criteria provided, single submitter. Criteria: Invitae Variant Classification Sherloc (09022015). Collection method: clinical testing. Allele origin: germline.
Comment: In summary, the available evidence is currently insufficient to determine the role of this variant in disease. Therefore, it has been classified as a Variant of Uncertain Significance. Algorithms developed to predict the effect of missense changes on protein structure and function are either unavailable or do not agree on the potential impact of this missense change (SIFT: "Tolerated"; PolyPhen-2: "Possibly Damaging"; Align-GVGD: "Class C0"). This variant has not been reported in the literature in individuals with HOXB13-related conditions. This variant is not present in population databases (ExAC no frequency). This sequence change replaces glutamine with histidine at codon 102 of the HOXB13 protein (p.Gln102His). The glutamine residue is moderately conserved and there is a small physicochemical difference between glutamine and histidine.

NM_006361.6(HOXB13):c.306G>C (p.Gln102His)

Gene: HOXB13 (homeobox B13; minus strand). Cytogenetic location: 17q21.32.
Variant type: single nucleotide variant.
Coding change: c.306G>C on transcript NM_006361.6 (MANE Select); coding-DNA position 306, G replaced by C.
Protein change: p.Gln102His; replaces glutamine 102 with histidine.
Molecular consequence: missense variant.
Genome position (GRCh38, 1-based): chr17:48,728,288, C>G on the plus strand (G>C on the coding strand, the complement: HOXB13 is on the minus strand). VCF-style: chr17-48728288-C-G. GRCh37 (hg19) VCF-style: chr17-46805650-C-G.
Other names: short protein forms Q102H.
Identifiers: ClinVar variation 1479212 (VCV001479212.8), dbSNP rs2143072999, ClinGen allele CA400107725.
Genomic context (GRCh38, chr17:48,728,288, plus strand): 5'-GCTGGGGTACTCTTCCCCGGCCGTGGGAGTCTCCGCGGGGTACGCGGCCAGGGTGGCTGC[C>G]TGGGCACAGGGTTTCAGCGAGCTCCGGGACACTCGGCAGGAGTAGTACCCGCCTCCAAAG-3'
Protein context (NP_006352.2, residues 92-112): VSRSSLKPCA[Gln102His]AATLAAYPAE